The following is an entry in ClinVar:

NM_197968.4(ZMYM2):c.2351G>A (p.Arg784His)

Gene: ZMYM2 (zinc finger MYM-type containing 2; plus strand). Cytogenetic location: 13q12.11.
Variant type: single nucleotide variant.
Coding change: c.2351G>A on transcript NM_197968.4 (MANE Select); coding-DNA position 2351, G replaced by A.
Protein change: p.Arg784His; replaces arginine 784 with histidine.
Molecular consequence: missense variant. On other transcripts: non-coding transcript variant (1).
Genome position (GRCh38, 1-based): chr13:20,051,491, G>A. VCF-style: chr13-20051491-G-A. GRCh37 (hg19) VCF-style: chr13-20625631-G-A.
Other names: c.2351G>A, p.Arg784His (NM_001190964.4, NM_001190965.4, NM_001353157.2 and 5 more transcripts); c.2156G>A, p.Arg719His (NM_001353161.3); c.2090G>A, p.Arg697His (NM_001353163.2); short protein forms R697H, R719H, R784H.
Identifiers: ClinVar variation 1331653 (VCV001331653.4), dbSNP rs2140575434, ClinGen allele CA387460301.

ClinVar aggregate classification (germline): Uncertain significance (1 of 4 stars; one submission).

Allele frequency attached by ClinVar (database versions not stated): gnomAD exomes below 0.00001.
gnomAD v4.1: 1 of 1,613,516 alleles (0.000062%); highest among the groups gnomAD compares: Non-Finnish European, 0.000085%; no homozygotes.

Submission:

Greenwood Genetic Center Diagnostic Laboratories, Greenwood Genetic Center
Classification: Uncertain significance. Last evaluated: 2021-01-20. Review status: criteria provided, single submitter. Criteria: ACMG Guidelines, 2015. Collection method: clinical testing. Allele origin: germline. Affected: yes.
Comment: PM2